The following is an entry in ClinVar:

ClinVar aggregate classification (germline): Uncertain significance (1 of 4 stars; one submission).

Conditions:
GREB1L-related disorder. Also called: GREB1L-related condition.

gnomAD v4.1: 5 of 1,543,824 alleles (0.00032%); highest among the groups gnomAD compares: African/African-American, 0.0041%; no homozygotes.

Submission:

PreventionGenetics, part of Exact Sciences
Classification: Uncertain significance for GREB1L-related condition. Last evaluated: 2025-10-08. Review status: criteria provided, single submitter. Criteria: ACMG Guidelines, 2015. Collection method: clinical testing. Allele origin: germline.
Comment: The GREB1L c.1678G>A variant is predicted to result in the amino acid substitution p.Ala560Thr. To our knowledge, this variant has not been reported in the literature or in a large population database (gnomAD), indicating this variant is rare. At this time, the clinical significance of this variant is uncertain due to the absence of conclusive functional and genetic evidence.

NM_001142966.3(GREB1L):c.1678G>A (p.Ala560Thr)

Genes: GREB1L (GREB1 like retinoic acid receptor coactivator; plus strand), GREB1L-AS1 (GREB1L antisense RNA 1; minus strand). Cytogenetic location: 18q11.1.
Variant type: single nucleotide variant.
Coding change: c.1678G>A on transcript NM_001142966.3 (MANE Select); coding-DNA position 1678, G replaced by A.
Protein change: p.Ala560Thr; replaces alanine 560 with threonine.
Molecular consequence: missense variant. On other transcripts: intron variant (1).
Genome position (GRCh38, 1-based): chr18:21,449,794, G>A. VCF-style: chr18-21449794-G-A. GRCh37 (hg19) VCF-style: chr18-19029755-G-A.
Other names: c.1807G>A, p.Ala603Thr (NM_001410867.1); c.1394-1229G>A (NM_001410868.1); short protein forms A603T, A560T.
Identifiers: ClinVar variation 4980014 (VCV004980014.1).